The following is an entry in ClinVar:

ClinVar aggregate classification (germline): Conflicting classifications of pathogenicity. Review status: criteria provided, conflicting classifications (1 of 4 stars). 8 submissions from 8 submitters: Pathogenic (2); Likely pathogenic (5); Uncertain significance (1). Last evaluated 2026-02-02.

Conditions:
TMEM67-related disorder. Also called: TMEM67-related condition; TMEM67-related disorders. Identifiers: MedGen CN239423.
Joubert syndrome and related disorders. Identifiers: Orphanet 140874, MedGen C5679612, MONDO:0015369.
Inborn genetic diseases. Identifiers: MedGen C0950123, MeSH D030342.
Joubert syndrome. Also called: Familial aplasia of the vermis; JOUBERT-BOLTSHAUSER SYNDROME. Identifiers: Orphanet 475, MedGen C5979921, MONDO:0018772.
Meckel-Gruber syndrome. Also called: DYSENCEPHALIA SPLANCHNOCYSTICA; GRUBER SYNDROME; Dysencephalia splachnocystica. Identifiers: Orphanet 564, MedGen C0265215, MONDO:0018921.
Joubert syndrome 6 (JBTS6). Identifiers: Orphanet 475, MedGen C1853153, MONDO:0012539, OMIM 610688.
Nephronophthisis 11 (NPHP11). Identifiers: Orphanet 84081, MedGen C3150796, MONDO:0013302, OMIM 613550.
Meckel syndrome, type 3 (MKS3). Also called: MECKEL-GRUBER SYNDROME, TYPE 3. Identifiers: Orphanet 564, MedGen C1846357, MONDO:0011821, OMIM 607361.
Cholestatic liver disease. Identifiers: MedGen C0860204, HP:0002611.

Allele frequency attached by ClinVar (database versions not stated): gnomAD 0.00001; TOPMed 0.00001; ExAC 0.00002.
gnomAD v4.1: 48 of 1,611,146 alleles (0.003%); highest among the groups gnomAD compares: Admixed American, 0.0067%; no homozygotes.

Submissions (8):

Dasa
Classification: Likely pathogenic. Last evaluated: 2026-02-02. Review status: criteria provided, single submitter. Criteria: DASA Assertion Criteria. Collection method: clinical testing. Allele origin: germline.
Comment: NM_153704.6(TMEM67):c.515G>A (p.Arg172Gln) is a missense variant that results in the substitution of arginine with glutamine. This variant has been recurrently observed in individuals with TMEM67-related disorders (PMID: 19574260; PMID: 31019026). Also, this variant is rare in population databases. Computational evidence supports a deleterious effect. Based on the currently available evidence, this variant is classified as likely pathogenic.

Ambry Genetics
Classification: Uncertain significance for Inborn genetic diseases. Last evaluated: 2025-12-19. Review status: criteria provided, single submitter. Criteria: Ambry Variant Classification Scheme 2023. Collection method: clinical testing. Allele origin: germline.
Comment: The c.515G>A (p.R172Q) alteration is located in exon 5 (coding exon 5) of the TMEM67 gene. This alteration results from a G to A substitution at nucleotide position 515, causing the arginine (R) at amino acid position 172 to be replaced by a glutamine (Q). Based on data from gnomAD, the A allele has an overall frequency of 0.002% (6/251282) total alleles studied. The highest observed frequency was 0.012% (4/34580) of Latino alleles. This variant has been identified in the homozygous state and/or in conjunction with other TMEM67 variant(s) in individual(s) with features consistent with TMEM67-related ciliopathy; in at least one instance, the variants were identified in trans (Doherty, 2010; De La Vega, 2021; External communication). This amino acid position is well conserved in available vertebrate species; however, glutamine is the reference amino acid in other vertebrate species. This alteration is predicted to be deleterious by in silico analysis. Based on insufficient or conflicting evidence, the clinical significance of this alteration remains unclear.

Labcorp Genetics (formerly Invitae), Labcorp
Classification: Pathogenic for Joubert syndrome; Meckel-Gruber syndrome. Last evaluated: 2025-12-09. Review status: criteria provided, single submitter. Criteria: Invitae Variant Classification Sherloc (09022015). Collection method: clinical testing. Allele origin: germline.
Comment: This sequence change replaces arginine, which is basic and polar, with glutamine, which is neutral and polar, at codon 172 of the TMEM67 protein (p.Arg172Gln). This variant is present in population databases (rs750950408, gnomAD 0.01%). This missense change has been observed in individual(s) with clinical features of TMEM67-related conditions (PMID: 19574260, 31019026, 34645491). In at least one individual the data is consistent with being in trans (on the opposite chromosome) from a pathogenic variant. ClinVar contains an entry for this variant (Variation ID: 217721). An algorithm developed to predict the effect of missense changes on protein structure and function outputs the following: PolyPhen-2: "Benign". The glutamine amino acid residue is found in multiple mammalian species, which suggests that this missense change does not adversely affect protein function. Algorithms developed to predict the effect of sequence changes on RNA splicing suggest that this variant may disrupt the consensus splice site. For these reasons, this variant has been classified as Pathogenic.

PreventionGenetics, part of Exact Sciences
Classification: Likely pathogenic for TMEM67-related condition. Last evaluated: 2025-10-29. Review status: criteria provided, single submitter. Criteria: ACMG Guidelines, 2015. Collection method: clinical testing. Allele origin: germline.
Comment: The TMEM67 c.515G>A variant is predicted to result in the amino acid substitution p.Arg172Gln. This variant has been reported in the compound heterozygous state in at least three individuals with a TMEM67-associated disorder (see, for example, Doherty et al 2010. PubMed ID: 19574260; Clark et al. 2019. PubMed ID: 31019026, Internal Data, PreventionGenetics). Functional studies suggest this variant impacts protein structure (Liu et al. 2021. PubMed ID: 34731008). This variant has conflicting classifications listed in ClinVar ranging from pathogenic to uncertain significance (ID: 217721). This variant is reported in 0.012% of alleles in individuals of Latino descent in gnomAD. This variant is interpreted as likely pathogenic.

Women's Health and Genetics/Laboratory Corporation of America, LabCorp
Classification: Likely pathogenic for Joubert syndrome and related disorders. Last evaluated: 2025-08-15. Review status: criteria provided, single submitter. Criteria: LabCorp Variant Classification Summary - May 2015. Collection method: clinical testing. Allele origin: germline.
Comment: Variant summary: TMEM67 c.515G>A (p.Arg172Gln) results in a conservative amino acid change in the encoded protein sequence. Algorithms developed to predict the effect of missense changes on protein structure and function are either unavailable or do not agree on the potential impact of this missense change. The variant allele was found at a frequency of 2.4e-05 in 251282 control chromosomes. c.515G>A has been reported in the literature in individuals affected with Joubert Syndrome And Related Disorders (example: Doherty_2010, Bachmann-Gagescu_2015, Clark_2019, DeLaVega_2021). These data indicate that the variant may be associated with disease. To our knowledge, no experimental evidence demonstrating an impact on protein function has been reported. The following publications have been ascertained in the context of this evaluation (PMID: 26092869, 19574260, 31738409, 31589614, 32000717, 31019026, 34645491, 30455918, 34964473, 34675960). ClinVar contains an entry for this variant (Variation ID: 217721). Based on the evidence outlined above, the variant was classified as likely pathogenic.

Immunogenetics and Transplant Biology Service, University Hospital "Città della Salute e della Scienza di Torino"
Classification: Likely pathogenic for Joubert syndrome 6; Meckel syndrome, type 3; Nephronophthisis 11. Last evaluated: 2025-06-28. Review status: criteria provided, single submitter. Criteria: ACMG Guidelines, 2015. Collection method: clinical testing. Allele origin: germline. Affected: yes.

Department of Human Genetics, Hannover Medical School
Classification: Likely pathogenic for Cholestatic liver disease. Last evaluated: 2024-08-05. Review status: criteria provided, single submitter. Criteria: ACMG Guidelines, 2015. Collection method: clinical testing. Allele origin: germline. Affected: yes.

UW Hindbrain Malformation Research Program, University of Washington
Classification: Pathogenic for Joubert syndrome 6. Last evaluated: 2015-02-23. Review status: criteria provided, single submitter. Criteria: Bachmann-Gagescu et al. (J Med Genet. 2015). Collection method: research. Allele origin: unknown. Affected: yes.

Literature cited by the submitters: PubMed 19574260 (cited by 4 submitters); PubMed 31019026 (cited by 3 submitters); PubMed 34645491 (cited by 3 submitters); PubMed 26092869 (cited by Women's Health and Genetics/Laboratory Corporation of America, LabCorp); PubMed 31738409 (cited by Women's Health and Genetics/Laboratory Corporation of America, LabCorp); PubMed 31589614 (cited by Women's Health and Genetics/Laboratory Corporation of America, LabCorp); PubMed 32000717 (cited by Women's Health and Genetics/Laboratory Corporation of America, LabCorp); PubMed 30455918 (cited by Women's Health and Genetics/Laboratory Corporation of America, LabCorp); PubMed 34964473 (cited by Women's Health and Genetics/Laboratory Corporation of America, LabCorp); PubMed 34675960 (cited by Women's Health and Genetics/Laboratory Corporation of America, LabCorp).

NM_153704.6(TMEM67):c.515G>A (p.Arg172Gln)

Gene: TMEM67 (transmembrane protein 67; plus strand). Cytogenetic location: 8q22.1.
Variant type: single nucleotide variant.
Coding change: c.515G>A on transcript NM_153704.6 (MANE Select); coding-DNA position 515, G replaced by A.
Protein change: p.Arg172Gln; replaces arginine 172 with glutamine.
Molecular consequence: missense variant. On other transcripts: non-coding transcript variant (1).
Genome position (GRCh38, 1-based): chr8:93,765,414, G>A. VCF-style: chr8-93765414-G-A. GRCh37 (hg19) VCF-style: chr8-94777642-G-A.
Other names: c.272G>A, p.Arg91Gln (NM_001142301.1); short protein forms R172Q, R91Q.
Identifiers: ClinVar variation 217721 (VCV000217721.20), dbSNP rs750950408, ClinGen allele CA277766.